The following is an entry in ClinVar:

ClinVar aggregate classification (germline): Uncertain significance (1 of 4 stars; one submission).

Conditions:
Alstrom syndrome (ALMS). Identifiers: Orphanet 64, MedGen C0268425, MONDO:0008763, OMIM 203800.

Submission:

Labcorp Genetics (formerly Invitae), Labcorp
Classification: Uncertain significance for Alstrom syndrome. Last evaluated: 2022-04-15. Review status: criteria provided, single submitter. Criteria: Invitae Variant Classification Sherloc (09022015). Collection method: clinical testing. Allele origin: germline.
Comment: In summary, the available evidence is currently insufficient to determine the role of this variant in disease. Therefore, it has been classified as a Variant of Uncertain Significance. Experimental studies and prediction algorithms are not available or were not evaluated, and the functional significance of this variant is currently unknown. This variant has not been reported in the literature in individuals affected with ALMS1-related conditions. This variant is not present in population databases (gnomAD no frequency). This sequence change replaces serine, which is neutral and polar, with proline, which is neutral and non-polar, at codon 519 of the ALMS1 protein (p.Ser519Pro).

NM_001378454.1(ALMS1):c.1552T>C (p.Ser518Pro)

Gene: ALMS1 (ALMS1 centrosome and basal body associated protein; plus strand). Cytogenetic location: 2p13.1.
Variant type: single nucleotide variant.
Coding change: c.1552T>C on transcript NM_001378454.1 (MANE Select); coding-DNA position 1552, T replaced by C.
Protein change: p.Ser518Pro; replaces serine 518 with proline.
Molecular consequence: missense variant.
Genome position (GRCh38, 1-based): chr2:73,448,079, T>C. VCF-style: chr2-73448079-T-C. GRCh37 (hg19) VCF-style: chr2-73675209-T-C.
Other names: c.1555T>C, p.Ser519Pro (NM_015120.4); short protein forms S519P, S518P.
Identifiers: ClinVar variation 1937836 (VCV001937836.5), dbSNP rs2466091396, ClinGen allele CA347264745.